The following is an entry in ClinVar:

NM_002661.5(PLCG2):c.741G>C (p.Gln247His)

Gene: PLCG2 (phospholipase C gamma 2; plus strand). Cytogenetic location: 16q23.3.
Variant type: single nucleotide variant.
Coding change: c.741G>C on transcript NM_002661.5 (MANE Select); coding-DNA position 741, G replaced by C.
Protein change: p.Gln247His; replaces glutamine 247 with histidine.
Molecular consequence: missense variant.
Genome position (GRCh38, 1-based): chr16:81,883,317, G>C. VCF-style: chr16-81883317-G-C. GRCh37 (hg19) VCF-style: chr16-81916922-G-C.
Other names: c.741G>C, p.Gln247His (NM_001425749.1, NM_001425750.1, NM_001425751.1); short protein forms Q247H.
Identifiers: ClinVar variation 2915369 (VCV002915369.3), dbSNP rs778931758, ClinGen allele CA8193409.

ClinVar aggregate classification (germline): Uncertain significance (1 of 4 stars; one submission).

Conditions:
Familial cold autoinflammatory syndrome 3 (FCAS3). Also called: FAMILIAL ATYPICAL COLD URTICARIA; ANTIBODY DEFICIENCY AND IMMUNE DYSREGULATION, PLCG2-ASSOCIATED. Identifiers: Orphanet 300359, MedGen C3280914, MONDO:0013766, OMIM 614468.

Allele frequency attached by ClinVar (database versions not stated): ExAC 0.00001; gnomAD 0.00001; gnomAD exomes 0.00001; TOPMed 0.00001.
gnomAD v4.1: 5 of 1,614,024 alleles (0.00031%); highest among the groups gnomAD compares: Admixed American, 0.0083%; no homozygotes.

Submission:

Labcorp Genetics (formerly Invitae), Labcorp
Classification: Uncertain significance for Familial cold autoinflammatory syndrome 3. Last evaluated: 2023-09-03. Review status: criteria provided, single submitter. Criteria: Invitae Variant Classification Sherloc (09022015). Collection method: clinical testing. Allele origin: germline.
Comment: In summary, the available evidence is currently insufficient to determine the role of this variant in disease. Therefore, it has been classified as a Variant of Uncertain Significance. Algorithms developed to predict the effect of sequence changes on RNA splicing suggest that this variant may disrupt the consensus splice site. An algorithm developed to predict the effect of missense changes on protein structure and function (PolyPhen-2) suggests that this variant is likely to be disruptive. This variant has not been reported in the literature in individuals affected with PLCG2-related conditions. This variant is present in population databases (rs778931758, gnomAD 0.01%). This sequence change replaces glutamine, which is neutral and polar, with histidine, which is basic and polar, at codon 247 of the PLCG2 protein (p.Gln247His).